The following is an entry in ClinVar:

ClinVar aggregate classification (germline): Uncertain significance (1 of 4 stars; one submission).

Allele frequency attached by ClinVar (database versions not stated): gnomAD 0.00002; TOPMed 0.00006; gnomAD exomes 0.00008 and 0.00017; ExAC 0.00012.
gnomAD v4.1: 52 of 1,613,668 alleles (0.0032%); highest among the groups gnomAD compares: Admixed American, 0.087%; no homozygotes.

Submission:

Labcorp Genetics (formerly Invitae), Labcorp
Classification: Uncertain significance. Last evaluated: 2024-01-08. Review status: criteria provided, single submitter. Criteria: Invitae Variant Classification Sherloc (09022015). Collection method: clinical testing. Allele origin: germline.
Comment: This sequence change falls in intron 9 of the CLCC1 gene. It does not directly change the encoded amino acid sequence of the CLCC1 protein. It affects a nucleotide within the consensus splice site. This variant is present in population databases (rs772657675, gnomAD 0.1%). This variant has not been reported in the literature in individuals affected with CLCC1-related conditions. ClinVar contains an entry for this variant (Variation ID: 856499). Variants that disrupt the consensus splice site are a relatively common cause of aberrant splicing (PMID: 17576681, 9536098). Algorithms developed to predict the effect of sequence changes on RNA splicing suggest that this variant is not likely to affect RNA splicing. In summary, the available evidence is currently insufficient to determine the role of this variant in disease. Therefore, it has been classified as a Variant of Uncertain Significance.

Literature cited by the submitters: PubMed 17576681; PubMed 9536098.

NM_001377458.1(CLCC1):c.1041+3T>G

Gene: CLCC1 (chloride channel CLIC like 1; minus strand). Cytogenetic location: 1p13.3.
Variant type: single nucleotide variant.
Coding change: c.1041+3T>G on transcript NM_001377458.1 (MANE Select); 3 bases into the intron after coding-DNA position 1041, T replaced by G.
Molecular consequence: intron variant.
Genome position (GRCh38, 1-based): chr1:108,939,633, A>C on the plus strand (T>G on the coding strand, the complement: CLCC1 is on the minus strand). VCF-style: chr1-108939633-A-C. GRCh37 (hg19) VCF-style: chr1-109482255-A-C.
Other names: c.1041+3T>G (NM_001377464.1, NM_001377462.1, NM_001377467.1 and 8 more transcripts); c.939+3T>G (NM_001377469.1); c.891+3T>G (NM_015127.5); c.750+3T>G (NM_001377470.1); c.678+3T>G (NM_001278202.2); c.486+3T>G (NM_001278203.1).
Identifiers: ClinVar variation 856499 (VCV000856499.5), dbSNP rs772657675, ClinGen allele CA983435.
Genomic context (GRCh38, chr1:108,939,633, plus strand): 5'-TGCTGGGATTACAGGCGTGAGCCACCGCGCCTGGCCCGACAGTGCTAATATATTAATACT[A>C]ACCAGGATGGCTAATGCCATAATTATCAGCACTGGAAGATGAAGCAGCGCTGGAATTTCC-3'